The following is an entry in ClinVar:

ClinVar aggregate classification (germline): Uncertain significance (1 of 4 stars; one submission).

Conditions:
Ataxia-telangiectasia syndrome (AT). Also called: Ataxia-telangiectasia, complementation group D; AT, COMPLEMENTATION GROUP C; Ataxia-telangiectasia; Ataxia telangiectasia (A-T); LOUIS-BAR SYNDROME; Cerebello-oculocutaneous telangiectasia. Identifiers: Orphanet 100, MedGen C0004135, MONDO:0008840, OMIM 208900.

Submission:

Labcorp Genetics (formerly Invitae), Labcorp
Classification: Uncertain significance for Ataxia-telangiectasia syndrome. Last evaluated: 2025-06-03. Review status: criteria provided, single submitter. Criteria: Invitae Variant Classification Sherloc (09022015). Collection method: clinical testing. Allele origin: germline.
Comment: This sequence change replaces leucine, which is neutral and non-polar, with phenylalanine, which is neutral and non-polar, at codon 927 of the ATM protein (p.Leu927Phe). This variant is not present in population databases (gnomAD no frequency). This variant has not been reported in the literature in individuals affected with ATM-related conditions. Invitae Evidence Modeling of protein sequence and biophysical properties (such as structural, functional, and spatial information, amino acid conservation, physicochemical variation, residue mobility, and thermodynamic stability) indicates that this missense variant is not expected to disrupt ATM protein function with a negative predictive value of 95%. In summary, the available evidence is currently insufficient to determine the role of this variant in disease. Therefore, it has been classified as a Variant of Uncertain Significance.

NM_000051.4(ATM):c.2781G>C (p.Leu927Phe)

Gene: ATM (ATM serine/threonine kinase; plus strand). Cytogenetic location: 11q22.3.
Variant type: single nucleotide variant.
Coding change: c.2781G>C on transcript NM_000051.4 (MANE Select); coding-DNA position 2781, G replaced by C.
Protein change: p.Leu927Phe; replaces leucine 927 with phenylalanine.
Molecular consequence: missense variant.
Genome position (GRCh38, 1-based): chr11:108,268,552, G>C. VCF-style: chr11-108268552-G-C. GRCh37 (hg19) VCF-style: chr11-108139279-G-C.
Other names: c.2781G>C, p.Leu927Phe (NM_001351834.2); short protein forms L927F.
Identifiers: ClinVar variation 4747190 (VCV004747190.1).